The following is an entry in ClinVar:

NM_000751.3(CHRND):c.1553A>G (p.Ter518Trp)

Gene: CHRND (cholinergic receptor nicotinic delta subunit; plus strand). Cytogenetic location: 2q37.1.
Variant type: single nucleotide variant.
Coding change: c.1553A>G on transcript NM_000751.3 (MANE Select); coding-DNA position 1553, A replaced by G.
Protein change: p.Ter518Trp.
Molecular consequence: stop lost.
Genome position (GRCh38, 1-based): chr2:232,535,311, A>G. VCF-style: chr2-232535311-A-G. GRCh37 (hg19) VCF-style: chr2-233400021-A-G.
Other names: c.1508A>G, p.Ter503Trp (NM_001256657.2); c.971A>G, p.Ter324Trp (NM_001311195.2); c.1250A>G, p.Ter417Trp (NM_001311196.2).
Identifiers: ClinVar variation 1052621 (VCV001052621.9), dbSNP rs1203669806, ClinGen allele CA351006271.

ClinVar aggregate classification (germline): Uncertain significance (1 of 4 stars; one submission).

Conditions:
Lethal multiple pterygium syndrome (LMPS). Identifiers: Orphanet 33108, MedGen C1854678, MONDO:0009668, OMIM 253290.

Submission:

Labcorp Genetics (formerly Invitae), Labcorp
Classification: Uncertain significance for Lethal multiple pterygium syndrome. Last evaluated: 2025-03-25. Review status: criteria provided, single submitter. Criteria: Invitae Variant Classification Sherloc (09022015). Collection method: clinical testing. Allele origin: germline.
Comment: This sequence change disrupts the translational stop signal of the CHRND mRNA. It is expected to extend the length of the CHRND protein by 13 additional amino acid residues. This variant is not present in population databases (gnomAD no frequency). This variant has not been reported in the literature in individuals affected with CHRND-related conditions. ClinVar contains an entry for this variant (Variation ID: 1052621). Experimental studies and prediction algorithms are not available or were not evaluated, and the functional significance of this variant is currently unknown. In summary, the available evidence is currently insufficient to determine the role of this variant in disease. Therefore, it has been classified as a Variant of Uncertain Significance.